The following is an entry in ClinVar:

NM_004006.3(DMD):c.10797+1G>A

Gene: DMD (dystrophin; minus strand). Cytogenetic location: Xp21.2.
Variant type: single nucleotide variant.
Coding change: c.10797+1G>A on transcript NM_004006.3 (MANE Select); the canonical splice donor site of the intron after coding-DNA position 10797, G replaced by A.
Molecular consequence: splice donor variant.
Genome position (GRCh38, 1-based): chrX:31,147,274, C>T on the plus strand (G>A on the coding strand, the complement: DMD is on the minus strand). VCF-style: chrX-31147274-C-T. GRCh37 (hg19) VCF-style: chrX-31165391-C-T.
Other names: c.10773+1G>A (NM_000109.4); c.6774+1G>A (NM_004011.4); c.6765+1G>A (NM_004012.4); c.3087+1G>A (NM_004023.3, NM_004020.4); c.3378+1G>A (NM_004022.3); c.3417+1G>A (NM_004021.3, NM_004013.3); c.2610+1G>A (NM_004014.3); c.1554+1G>A (NM_004018.3, NM_004017.3); and 3 more.
Identifiers: ClinVar variation 409896 (VCV000409896.3), dbSNP rs1060502626, ClinGen allele CA16616650.

ClinVar aggregate classification (germline): Pathogenic. Review status: criteria provided, multiple submitters, no conflicts (2 of 4 stars). 2 submissions from 2 submitters: Pathogenic (2). Last evaluated 2025-11-05.

Conditions:
Becker muscular dystrophy, Cardiomyopathy, Duchenne muscular dystrophy, Dystrophin deficiency.
Duchenne muscular dystrophy (DMD). Also called: MUSCULAR DYSTROPHY, PSEUDOHYPERTROPHIC PROGRESSIVE, DUCHENNE TYPE; Duchenne Muscular Dystrophy (DMD). Identifiers: Orphanet 98896, MedGen C0013264, MONDO:0010679, OMIM 310200.

Submissions (2):

Natera, Inc.
Classification: Pathogenic for Becker muscular dystrophy, Cardiomyopathy, Duchenne muscular dystrophy, Dystrophin deficiency. Last evaluated: 2025-11-05. Review status: criteria provided, single submitter. Criteria: Natera Variant Classification Schema (03/2026). Collection method: clinical testing. Allele origin: germline.
Comment: The c.10797+1G>A variant in DMD is a canonical splice donor site variant predicted to affect pre-mRNA splicing, which may result in an abnormal transcript and altered protein product. This variant is expected to result in nonsense mediated decay, truncation, or a dysfunctional protein product. This variant is rare in the general population with a frequency below the threshold expected for the associated phenotype(s). This variant has been observed in affected individual(s) with monoallelic occurrence (heterozygous/hemizygous) (PMID: 30833962, 29604111). Given the available evidence, this variant is classified as Pathogenic.

Labcorp Genetics (formerly Invitae), Labcorp
Classification: Pathogenic for Duchenne muscular dystrophy. Last evaluated: 2019-03-28. Review status: criteria provided, single submitter. Criteria: Invitae Variant Classification Sherloc (09022015). Collection method: clinical testing. Allele origin: germline.
Comment: This sequence change affects a donor splice site in intron 75 of the DMD gene. It is expected to disrupt RNA splicing and likely results in an absent or disrupted protein product. This variant is not present in population databases (ExAC no frequency). This variant has been observed in individuals affected with Duchenne muscular dystrophy (PMID: 29604111, Invitae). ClinVar contains an entry for this variant (Variation ID: 409896). Donor and acceptor splice site variants typically lead to a loss of protein function (PMID: 16199547), and loss-of-function variants in DMD are known to be pathogenic (PMID: 16770791, 25007885). For these reasons, this variant has been classified as Pathogenic.

Literature cited by the submitters: PubMed 30833962 (cited by Natera, Inc.); PubMed 29604111 (cited by Natera, Inc. and Labcorp Genetics (formerly Invitae), Labcorp); PubMed 25007885 (cited by Labcorp Genetics (formerly Invitae), Labcorp); PubMed 16770791 (cited by Labcorp Genetics (formerly Invitae), Labcorp).